The following is an entry in ClinVar:

ClinVar aggregate classification (germline): Uncertain significance. Review status: criteria provided, multiple submitters, no conflicts (2 of 4 stars). 2 submissions from 2 submitters: Uncertain significance (2). Last evaluated 2025-09-16.

Conditions:
Spastic paraplegia. Identifiers: MedGen C0037772, HP:0001258.

Allele frequency attached by ClinVar (database versions not stated): gnomAD exomes below 0.00001; TOPMed 0.00001; ExAC 0.00002; gnomAD 0.00002; ESP Exome Variant Server 0.00008.

Submissions (2):

Labcorp Genetics (formerly Invitae), Labcorp
Classification: Uncertain significance for Spastic paraplegia. Last evaluated: 2025-09-16. Review status: criteria provided, single submitter. Criteria: Invitae Variant Classification Sherloc (09022015). Collection method: clinical testing. Allele origin: germline.
Comment: This sequence change replaces threonine, which is neutral and polar, with alanine, which is neutral and non-polar, at codon 386 of the ARSI protein (p.Thr386Ala). This variant is present in population databases (rs374405817, gnomAD 0.01%). This variant has not been reported in the literature in individuals affected with ARSI-related conditions. ClinVar contains an entry for this variant (Variation ID: 2494836). Invitae Evidence Modeling of protein sequence and biophysical properties (such as structural, functional, and spatial information, amino acid conservation, physicochemical variation, residue mobility, and thermodynamic stability) indicates that this missense variant is not expected to disrupt ARSI protein function with a negative predictive value of 80%. In summary, the available evidence is currently insufficient to determine the role of this variant in disease. Therefore, it has been classified as a Variant of Uncertain Significance.

Ambry Genetics
Classification: Uncertain significance. Last evaluated: 2023-03-06. Review status: criteria provided, single submitter. Criteria: Ambry Variant Classification Scheme 2023. Collection method: clinical testing. Allele origin: germline.

NM_001012301.4(ARSI):c.1156A>G (p.Thr386Ala)

Gene: ARSI (arylsulfatase family member I; minus strand). Cytogenetic location: 5q32.
Variant type: single nucleotide variant.
Coding change: c.1156A>G on transcript NM_001012301.4 (MANE Select); coding-DNA position 1156, A replaced by G.
Protein change: p.Thr386Ala; replaces threonine 386 with alanine.
Molecular consequence: missense variant.
Genome position (GRCh38, 1-based): chr5:150,297,768, T>C on the plus strand (A>G on the coding strand, the complement: ARSI is on the minus strand). VCF-style: chr5-150297768-T-C. GRCh37 (hg19) VCF-style: chr5-149677331-T-C.
Other names: short protein forms T386A.
Identifiers: ClinVar variation 2494836 (VCV002494836.3), dbSNP rs374405817, ClinGen allele CA3510153.